The following is an entry in ClinVar:

NM_001145715.3(KPNA7):c.2T>G (p.Met1Arg)

Gene: KPNA7 (karyopherin subunit alpha 7; minus strand). Cytogenetic location: 7q22.1.
Variant type: single nucleotide variant.
Coding change: c.2T>G on transcript NM_001145715.3 (MANE Select); coding-DNA position 2, T replaced by G.
Protein change: p.Met1Arg; changes the start codon (methionine 1).
Molecular consequence: missense variant, initiator codon variant.
Genome position (GRCh38, 1-based): chr7:99,207,465, A>C on the plus strand (T>G on the coding strand, the complement: KPNA7 is on the minus strand). VCF-style: chr7-99207465-A-C. GRCh37 (hg19) VCF-style: chr7-98805088-A-C.
Other names: short protein forms M1R.
Identifiers: ClinVar variation 953707 (VCV000953707.10), dbSNP rs1271351135, ClinGen allele CA368421540.

ClinVar aggregate classification (germline): Uncertain significance (1 of 4 stars; one submission).

Allele frequency attached by ClinVar (database versions not stated): TOPMed below 0.00001; gnomAD 0.00001.

Submission:

Labcorp Genetics (formerly Invitae), Labcorp
Classification: Uncertain significance. Last evaluated: 2022-08-06. Review status: criteria provided, single submitter. Criteria: Invitae Variant Classification Sherloc (09022015). Collection method: clinical testing. Allele origin: germline.
Comment: This variant has not been reported in the literature in individuals affected with KPNA7-related conditions. In summary, the available evidence is currently insufficient to determine the role of this variant in disease. Therefore, it has been classified as a Variant of Uncertain Significance. Algorithms developed to predict the effect of sequence changes on RNA splicing suggest that this variant may create or strengthen a splice site. ClinVar contains an entry for this variant (Variation ID: 953707). This variant is not present in population databases (gnomAD no frequency). This sequence change affects the initiator methionine of the KPNA7 mRNA. The next in-frame methionine is located at codon 29.